The following is an entry in ClinVar:

ClinVar aggregate classification (germline): Uncertain significance. Review status: criteria provided, multiple submitters, no conflicts (2 of 4 stars). 2 submissions from 2 submitters: Uncertain significance (2). Last evaluated 2025-11-23.

Submissions (2):

Labcorp Genetics (formerly Invitae), Labcorp
Classification: Uncertain significance. Last evaluated: 2025-11-23. Review status: criteria provided, single submitter. Criteria: Invitae Variant Classification Sherloc (09022015). Collection method: clinical testing. Allele origin: germline.
Comment: This sequence change replaces valine, which is neutral and non-polar, with methionine, which is neutral and non-polar, at codon 140 of the CYFIP2 protein (p.Val140Met). This variant is not present in population databases (gnomAD no frequency). This variant has not been reported in the literature in individuals affected with CYFIP2-related conditions. ClinVar contains an entry for this variant (Variation ID: 2580397). Experimental studies and prediction algorithms are not available or were not evaluated, and the functional significance of this variant is currently unknown. In summary, the available evidence is currently insufficient to determine the role of this variant in disease. Therefore, it has been classified as a Variant of Uncertain Significance.

GeneDx
Classification: Uncertain significance. Last evaluated: 2025-07-03. Review status: criteria provided, single submitter. Criteria: GeneDx Variant Classification Process June 2021. Collection method: clinical testing. Allele origin: germline.
Comment: Not observed at significant frequency in large population cohorts (gnomAD); In silico analysis suggests that this missense variant does not alter protein structure/function; Has not been previously published as pathogenic or benign to our knowledge

NM_001037333.3(CYFIP2):c.418G>A (p.Val140Met)

Gene: CYFIP2 (cytoplasmic FMR1 interacting protein 2; plus strand). Cytogenetic location: 5q33.3.
Variant type: single nucleotide variant.
Coding change: c.418G>A on transcript NM_001037333.3 (MANE Select); coding-DNA position 418, G replaced by A.
Protein change: p.Val140Met; replaces valine 140 with methionine.
Molecular consequence: missense variant.
Genome position (GRCh38, 1-based): chr5:157,300,745, G>A. VCF-style: chr5-157300745-G-A. GRCh37 (hg19) VCF-style: chr5-156727753-G-A.
Other names: c.340G>A, p.Val114Met (NM_001291721.2); c.418G>A, p.Val140Met (NM_001291722.2, NM_014376.4); short protein forms V114M, V140M.
Identifiers: ClinVar variation 2580397 (VCV002580397.3), dbSNP rs780027307, ClinGen allele CA3533365.